The following is an entry in ClinVar:

NM_001386795.1(DTNA):c.126G>A (p.Arg42=)

Genes: DTNA (dystrobrevin alpha; plus strand), DTNA-AS1 (DTNA antisense RNA 1; minus strand). Cytogenetic location: 18q12.1.
Variant type: single nucleotide variant.
Coding change: c.126G>A on transcript NM_001386795.1 (MANE Select); coding-DNA position 126, G replaced by A.
Protein change: p.Arg42=; no amino-acid change (arginine 42 retained).
Molecular consequence: synonymous variant.
Genome position (GRCh38, 1-based): chr18:34,766,019, G>A. VCF-style: chr18-34766019-G-A. GRCh37 (hg19) VCF-style: chr18-32345983-G-A.
Other names: c.126G>A, p.Arg42= (NM_001128175.2, NM_001198938.2, NM_001198939.2 and 35 more transcripts).
Identifiers: ClinVar variation 504528 (VCV000504528.18), dbSNP rs376001633, ClinGen allele CA8935283.
Genomic context (GRCh38, chr18:34,766,019, plus strand): 5'-AGGGGCTCAAGATCTGGATCGCATCCGACTCTCCACCTACAGAACAGCATGCAAGCTTAG[G>A]TTTGTTCAGAAGAAATGCAATTGTAAGTATGCCAGTTGTTTGGACTAATTACCATCATGA-3'
Protein context (NP_001373724.1, residues 32-52): LSTYRTACKL[Arg42=]FVQKKCNLHL

ClinVar aggregate classification (germline): Likely benign. Review status: criteria provided, multiple submitters, no conflicts (2 of 4 stars). 5 submissions from 5 submitters: Likely benign (2). 3 of the submissions do not count toward it. Last evaluated 2026-01-15.

Conditions:
Left ventricular noncompaction 1 (LVNC1). Also called: LEFT VENTRICULAR NONCOMPACTION 1 WITH OR WITHOUT CONGENITAL HEART DEFECTS. Identifiers: Orphanet 54260, MedGen C1858725, MONDO:0011403, OMIM 604169.

Allele frequency attached by ClinVar (database versions not stated): ExAC 0.00006; gnomAD exomes 0.00007 and 0.00032; TOPMed 0.00015; gnomAD 0.00017 and 0.00020; ESP Exome Variant Server 0.00031.
gnomAD v4.1: 472 of 1,613,618 alleles (0.029%); highest among the groups gnomAD compares: Non-Finnish European, 0.039%; no homozygotes.

Submissions (5):

Labcorp Genetics (formerly Invitae), Labcorp
Classification: Likely benign for Left ventricular noncompaction 1. Last evaluated: 2026-01-15. Review status: criteria provided, single submitter. Criteria: Invitae Variant Classification Sherloc (09022015). Collection method: clinical testing. Allele origin: germline.

Laboratory for Molecular Medicine, Mass General Brigham Personalized Medicine
Classification: Likely benign. Last evaluated: 2017-10-10. Review status: criteria provided, single submitter. Criteria: LMM Criteria. Collection method: clinical testing. Allele origin: germline. Observed: 1 variant allele.
Comment: p.Arg42Arg in exon 04 of DTNA: This variant is not expected to have clinical sig nificance because it does not alter an amino acid residue and is not located wit hin the splice consensus sequence. It has been identified in 21/126588 European chromosomes by the Genome Aggregation Database (gnomAD; dbSNP rs376001633). ACMG/AMP Criteria applied: BP4, BP7 (Richards 2015 ).

Clinical Genetics DNA and cytogenetics Diagnostics Lab, Erasmus MC, Erasmus Medical Center
Classification: Likely benign. Review status: no assertion criteria provided. Collection method: clinical testing. Allele origin: germline. Affected: yes. Study: VKGL Data-share Consensus. Not counted in ClinVar's aggregate classification.

Diagnostic Laboratory, Department of Genetics, University Medical Center Groningen
Classification: Likely benign. Review status: no assertion criteria provided. Collection method: clinical testing. Allele origin: germline. Affected: yes. Study: VKGL Data-share Consensus. Not counted in ClinVar's aggregate classification.

Genome Diagnostics Laboratory, University Medical Center Utrecht
Classification: Likely benign. Review status: no assertion criteria provided. Collection method: clinical testing. Allele origin: germline. Affected: yes. Study: VKGL Data-share Consensus. Not counted in ClinVar's aggregate classification.